The following is an entry in ClinVar:

ClinVar aggregate classification (germline): Likely benign. Review status: criteria provided, multiple submitters, no conflicts (2 of 4 stars). 3 submissions from 3 submitters: Likely benign (3). Last evaluated 2025-08-04.

Conditions:
CNGB1-related disorder. Also called: CNGB1-related condition.

gnomAD v4.1: 26 of 1,593,288 alleles (0.0016%); highest among the groups gnomAD compares: Non-Finnish European, 0.0022%; 1 homozygote.

Submissions (3):

Labcorp Genetics (formerly Invitae), Labcorp
Classification: Likely benign. Last evaluated: 2025-08-04. Review status: criteria provided, single submitter. Criteria: Invitae Variant Classification Sherloc (09022015). Collection method: clinical testing. Allele origin: germline.

PreventionGenetics, part of Exact Sciences
Classification: Likely benign for CNGB1-related condition. Last evaluated: 2025-03-20. Review status: criteria provided, single submitter. Criteria: ACMG Guidelines, 2015. Collection method: clinical testing. Allele origin: germline.
Comment: This variant is classified as likely benign based on ACMG/AMP sequence variant interpretation guidelines (Richards et al. 2015 PMID: 25741868, with internal and published modifications).

Blueprint Genetics
Classification: Likely benign. Last evaluated: 2024-03-12. Review status: criteria provided, single submitter. Criteria: ACMG Guidelines, 2015. Collection method: clinical testing. Allele origin: germline.

NM_001297.5(CNGB1):c.1643+10C>G

Gene: CNGB1 (cyclic nucleotide gated channel subunit beta 1; minus strand). Cytogenetic location: 16q21.
Variant type: single nucleotide variant.
Coding change: c.1643+10C>G on transcript NM_001297.5 (MANE Select); 10 bases into the intron after coding-DNA position 1643, C replaced by G.
Molecular consequence: intron variant.
Genome position (GRCh38, 1-based): chr16:57,923,263, G>C on the plus strand (C>G on the coding strand, the complement: CNGB1 is on the minus strand). VCF-style: chr16-57923263-G-C. GRCh37 (hg19) VCF-style: chr16-57957167-G-C.
Other names: c.1643+10C>G (NM_001297.4); c.1625+10C>G (NM_001286130.2).
Identifiers: ClinVar variation 3013659 (VCV003013659.5), dbSNP rs758483672, ClinGen allele CA8083370.